The following is an entry in ClinVar:

NM_020247.5(COQ8A):c.*464G>A

Gene: COQ8A (coenzyme Q8A; plus strand). Cytogenetic location: 1q42.13.
Variant type: single nucleotide variant.
Coding change: c.*464G>A on transcript NM_020247.5 (MANE Select); 464 bases downstream of the stop codon, G replaced by A.
Molecular consequence: 3 prime UTR variant.
Genome position (GRCh38, 1-based): chr1:226,987,201, G>A. VCF-style: chr1-226987201-G-A. GRCh37 (hg19) VCF-style: chr1-227174902-G-A.
Identifiers: ClinVar variation 296040 (VCV000296040.7), dbSNP rs8159, ClinGen allele CA10610287.

ClinVar aggregate classification (germline): Benign. Review status: criteria provided, multiple submitters, no conflicts (2 of 4 stars). 2 submissions from 2 submitters: Benign (2). Last evaluated 2018-01-13.

Conditions:
Autosomal recessive ataxia due to ubiquinone deficiency. Also called: SPINOCEREBELLAR ATAXIA, AUTOSOMAL RECESSIVE 9; Coenzyme Q10 deficiency, primary, 4. Identifiers: Orphanet 139485, MedGen C2677589, MONDO:0012784, OMIM 612016.

Allele frequency attached by ClinVar (database versions not stated): gnomAD exomes 0.25386; gnomAD 0.31059 and 0.31197; TOPMed 0.31869; 1000 Genomes Project 30x 0.34900; 1000 Genomes Project 0.35204.
gnomAD v4.1: 56,017 of 186,454 alleles (30%); highest among the groups gnomAD compares: East Asian, 51%; 9,070 homozygotes.

Submissions (2):

Illumina Laboratory Services, Illumina
Classification: Benign for Autosomal recessive ataxia due to ubiquinone deficiency. Last evaluated: 2018-01-13. Review status: criteria provided, single submitter. Criteria: ICSL Variant Classification Criteria 13 December 2019. Collection method: clinical testing. Allele origin: germline.
Comment: This variant was observed in the ICSL laboratory as part of a predisposition screen in an ostensibly healthy population. It had not been previously curated by ICSL or reported in the Human Gene Mutation Database (HGMD: prior to June 1st, 2018), and was therefore a candidate for classification through an automated scoring system. Utilizing variant allele frequency, disease prevalence and penetrance estimates, and inheritance mode, an automated score was calculated to assess if this variant is too frequent to cause the disease. Based on the score and internal cut-off values, a variant classified as benign is not then subjected to further curation. The score for this variant resulted in a classification of benign for this disease.

Breakthrough Genomics
Classification: Benign. Review status: criteria provided, single submitter. Criteria: ACMG Guidelines, 2015. Collection method: not provided. Allele origin: germline. Inheritance: Autosomal recessive inheritance. Affected: yes.